The following is an entry in ClinVar:

ClinVar aggregate classification (germline): Uncertain significance (1 of 4 stars; one submission).

Conditions:
Dilated cardiomyopathy 1II (CMD1II). Identifiers: Orphanet 154, MedGen C3554649, MONDO:0014073, OMIM 615184.

Submission:

Labcorp Genetics (formerly Invitae), Labcorp
Classification: Uncertain significance for Dilated cardiomyopathy 1II. Last evaluated: 2019-02-20. Review status: criteria provided, single submitter. Criteria: Invitae Variant Classification Sherloc (09022015). Collection method: clinical testing. Allele origin: germline.
Comment: This variant results in a copy number gain of the genomic region encompassing the full coding sequence of the CRYAB gene. The boundaries of this event are unknown as they extend beyond the assayed region for this gene and therefore may encompass additional genes. As the precise location of this event is unknown, it may be in tandem or it may be located elsewhere in the genome. This variant has not been reported in the literature in individuals with CRYAB-related disease. Experimental studies and prediction algorithms are not available for this variant, and the functional significance of the affected amino acid(s) is currently unknown. In summary, the available evidence is currently insufficient to determine the role of this variant in disease. Therefore, it has been classified as a Variant of Uncertain Significance.

NC_000011.9:g.(?_111779478)_(111782458_?)dup

Gene: CRYAB (crystallin alpha B; minus strand). Cytogenetic location: 11q23.1.
Variant type: Duplication.
Identifiers: ClinVar variation 642629 (VCV000642629.3).